The following is an entry in ClinVar:

NM_014915.3(ANKRD26):c.600G>C (p.Lys200Asn)

Gene: ANKRD26 (ankyrin repeat domain containing 26; minus strand). Cytogenetic location: 10p12.1.
Variant type: single nucleotide variant.
Coding change: c.600G>C on transcript NM_014915.3 (MANE Select); coding-DNA position 600, G replaced by C.
Protein change: p.Lys200Asn; replaces lysine 200 with asparagine.
Molecular consequence: missense variant.
Genome position (GRCh38, 1-based): chr10:27,092,444, C>G on the plus strand (G>C on the coding strand, the complement: ANKRD26 is on the minus strand). VCF-style: chr10-27092444-C-G. GRCh37 (hg19) VCF-style: chr10-27381373-C-G.
Other names: c.600G>C, p.Lys200Asn (NM_001256053.2); short protein forms K200N.
Identifiers: ClinVar variation 3913605 (VCV003913605.1).

ClinVar aggregate classification (germline): Uncertain significance (1 of 4 stars; one submission).

Conditions:
Inborn genetic diseases. Identifiers: MedGen C0950123, MeSH D030342.

gnomAD v4.1: 6 of 1,613,256 alleles (0.00037%); highest among the groups gnomAD compares: Non-Finnish European, 0.00034%; no homozygotes.

Submission:

Ambry Genetics
Classification: Uncertain significance for Inborn genetic diseases. Last evaluated: 2025-04-07. Review status: criteria provided, single submitter. Criteria: Ambry Variant Classification Scheme 2023. Collection method: clinical testing. Allele origin: germline.
Comment: The p.K200N variant (also known as c.600G>C), located in coding exon 4 of the ANKRD26 gene, results from a G to C substitution at nucleotide position 600. The lysine at codon 200 is replaced by asparagine, an amino acid with similar properties. This amino acid position is conserved. In addition, this alteration is predicted to be tolerated by in silico analysis. Based on the available evidence, the clinical significance of this variant remains unclear.